The following is an entry in ClinVar:

ClinVar aggregate classification (germline): Uncertain significance (0 of 4 stars; one submission).

Conditions:
NLGN1-related disorder. Also called: NLGN1-related condition.

Submission:

PreventionGenetics, part of Exact Sciences
Classification: Uncertain significance for NLGN1-related condition. Last evaluated: 2023-12-05. Review status: no assertion criteria provided. Collection method: clinical testing. Allele origin: germline.
Comment: The NLGN1 c.1642A>G variant is predicted to result in the amino acid substitution p.Lys548Glu. To our knowledge, this variant has not been reported in the literature or in a large population database, indicating this variant is rare. At this time, the clinical significance of this variant is uncertain due to the absence of conclusive functional and genetic evidence.

NM_001365925.2(NLGN1):c.1702A>G (p.Lys568Glu)

Gene: NLGN1 (neuroligin 1; plus strand). Cytogenetic location: 3q26.31.
Variant type: single nucleotide variant.
Coding change: c.1702A>G on transcript NM_001365925.2 (MANE Select); coding-DNA position 1702, A replaced by G.
Protein change: p.Lys568Glu; replaces lysine 568 with glutamic acid.
Molecular consequence: missense variant.
Genome position (GRCh38, 1-based): chr3:174,279,643, A>G. VCF-style: chr3-174279643-A-G. GRCh37 (hg19) VCF-style: chr3-173997433-A-G.
Other names: c.1702A>G, p.Lys568Glu (NM_001365923.2, NM_001365924.2, NM_001365926.2 and 2 more transcripts); c.1642A>G, p.Lys548Glu (NM_001365929.2, NM_001365930.2, NM_001365931.2 and 3 more transcripts); c.1615A>G, p.Lys539Glu (NM_001365934.2, NM_001365935.2, NM_001365936.2); short protein forms K539E, K548E, K568E.
Identifiers: ClinVar variation 3031844 (VCV003031844.2), dbSNP rs2548794862, ClinGen allele CA355544552.
Genomic context (GRCh38, chr3:174,279,643, plus strand): 5'-TTCTCCAAAAATGATGTGATGCTGAGTGCAGTTGTAATGACATACTGGACAAATTTTGCT[A>G]AAACTGGGTATGTACCTAAGGAATGAAGTTTATTTTTAATAAAAATGTTATTTTAACCAT-3'
Protein context (NP_001352854.1, residues 558-578): VVMTYWTNFA[Lys568Glu]TGDPNQPVPQ